The following is an entry in ClinVar:

NM_001089.3(ABCA3):c.695G>A (p.Arg232His)

Gene: ABCA3 (ATP binding cassette subfamily A member 3; minus strand). Cytogenetic location: 16p13.3.
Variant type: single nucleotide variant.
Coding change: c.695G>A on transcript NM_001089.3 (MANE Select); coding-DNA position 695, G replaced by A.
Protein change: p.Arg232His; replaces arginine 232 with histidine.
Molecular consequence: missense variant.
Genome position (GRCh38, 1-based): chr16:2,319,759, C>T on the plus strand (G>A on the coding strand, the complement: ABCA3 is on the minus strand). VCF-style: chr16-2319759-C-T. GRCh37 (hg19) VCF-style: chr16-2369760-C-T.
Other names: short protein forms R232H.
Identifiers: ClinVar variation 2164857 (VCV002164857.1), dbSNP rs375127155, ClinGen allele CA7841548.
Genomic context (GRCh38, chr16:2,319,759, plus strand): 5'-GCGATGAACGGCGGGTACGGGAACCTCTTGATGGTCACCGTCAGTCTCTGGAACAGCTGG[C>T]GTGTGGCGGCATCGGCATGGTACTCCATGATGGCCCGGTCCACAGCATGCTGCACGGCCA-3'
Protein context (NP_001080.2, residues 222-242): IMEYHADAAT[Arg232His]QLFQRLTVTI

ClinVar aggregate classification (germline): Uncertain significance (1 of 4 stars; one submission).

Allele frequency attached by ClinVar (database versions not stated): gnomAD exomes 0.00001; ExAC 0.00003; gnomAD 0.00003; TOPMed 0.00003; ESP Exome Variant Server 0.00008.
gnomAD v4.1: 17 of 1,613,826 alleles (0.0011%); highest among the groups gnomAD compares: African/African-American, 0.008%; no homozygotes.

Submission:

Labcorp Genetics (formerly Invitae), Labcorp
Classification: Uncertain significance. Last evaluated: 2022-10-13. Review status: criteria provided, single submitter. Criteria: Invitae Variant Classification Sherloc (09022015). Collection method: clinical testing. Allele origin: germline.
Comment: This sequence change replaces arginine, which is basic and polar, with histidine, which is basic and polar, at codon 232 of the ABCA3 protein (p.Arg232His). This variant is present in population databases (rs375127155, gnomAD 0.01%). This variant has not been reported in the literature in individuals affected with ABCA3-related conditions. Algorithms developed to predict the effect of missense changes on protein structure and function output the following: SIFT: "Tolerated"; PolyPhen-2: "Benign"; Align-GVGD: "Class C0". The histidine amino acid residue is found in multiple mammalian species, which suggests that this missense change does not adversely affect protein function. In summary, the available evidence is currently insufficient to determine the role of this variant in disease. Therefore, it has been classified as a Variant of Uncertain Significance.